The following is an entry in ClinVar:

NM_005573.4(LMNB1):c.557A>T (p.Asp186Val)

Gene: LMNB1 (lamin B1; plus strand). Cytogenetic location: 5q23.2.
Variant type: single nucleotide variant.
Coding change: c.557A>T on transcript NM_005573.4 (MANE Select); coding-DNA position 557, A replaced by T.
Protein change: p.Asp186Val; replaces aspartic acid 186 with valine.
Molecular consequence: missense variant. On other transcripts: 5 prime UTR variant (1), non-coding transcript variant (2).
Genome position (GRCh38, 1-based): chr5:126,805,611, A>T. VCF-style: chr5-126805611-A-T. GRCh37 (hg19) VCF-style: chr5-126141303-A-T.
Other names: c.-74A>T (NM_001198557.2); short protein forms D186V.
Identifiers: ClinVar variation 3648509 (VCV003648509.2).

ClinVar aggregate classification (germline): Uncertain significance (1 of 4 stars; one submission).

Submission:

Labcorp Genetics (formerly Invitae), Labcorp
Classification: Uncertain significance. Last evaluated: 2024-04-09. Review status: criteria provided, single submitter. Criteria: Invitae Variant Classification Sherloc (09022015). Collection method: clinical testing. Allele origin: germline.
Comment: This sequence change replaces aspartic acid, which is acidic and polar, with valine, which is neutral and non-polar, at codon 186 of the LMNB1 protein (p.Asp186Val). This variant is not present in population databases (gnomAD no frequency). This variant has not been reported in the literature in individuals affected with LMNB1-related conditions. Advanced modeling of protein sequence and biophysical properties (such as structural, functional, and spatial information, amino acid conservation, physicochemical variation, residue mobility, and thermodynamic stability) performed at Invitae indicates that this missense variant is expected to disrupt LMNB1 protein function with a positive predictive value of 80%. In summary, the available evidence is currently insufficient to determine the role of this variant in disease. Therefore, it has been classified as a Variant of Uncertain Significance.